The following is an entry in ClinVar:

ClinVar aggregate classification (germline): Uncertain significance (1 of 4 stars; one submission).

Conditions:
Primary dilated cardiomyopathy (DCM). Also called: Dilated Cardiomyopathy. Identifiers: Orphanet 217604, MedGen C0007193, MeSH D002311, MONDO:0005021, HP:0001644. Inheritance: Various modes of inheritance.

Allele frequency attached by ClinVar (database versions not stated): gnomAD 0.00003; 1000 Genomes Project 0.00020; 1000 Genomes Project 30x 0.00031.
gnomAD v4.1: 69 of 1,613,812 alleles (0.0043%); highest among the groups gnomAD compares: South Asian, 0.068%; no homozygotes.

Submission:

Diagnostics Services (NGS), CSIR - Centre For Cellular And Molecular Biology
Classification: Uncertain significance for Primary dilated cardiomyopathy. Last evaluated: 2022-08-11. Review status: criteria provided, single submitter. Criteria: ACMG Guidelines, 2015. Collection method: clinical testing. Allele origin: unknown. Affected: yes. Observed: 1 variant allele, 1 heterozygote.
Comment: The c.1552C>T variant is not present in publicly available population databases like EVS and Indian Exome Database. The variant is present in 1000 Genomes, ExAC and gnomAD, at a low frequency. The variant is not present in our in-house exome database. This variant has not been reported in literature or any clinical databases like ClinVar, HGMD and OMIM, in any affected individuals. In-silico pathogenicity prediction programs like SIFT, Polyphen-2, MutationTaster2, CADD etc. predicted this variant to be likely deleterious, however these predictions were not confirmed by any published functional studies.

Literature cited by the submitters: PubMed 24088304.

NM_001281740.3(FHOD3):c.2077C>T (p.Arg693Trp)

Gene: FHOD3 (formin homology 2 domain containing 3; plus strand). Cytogenetic location: 18q12.2.
Variant type: single nucleotide variant.
Coding change: c.2077C>T on transcript NM_001281740.3 (MANE Select); coding-DNA position 2077, C replaced by T.
Protein change: p.Arg693Trp; replaces arginine 693 with tryptophan.
Molecular consequence: missense variant.
Genome position (GRCh38, 1-based): chr18:36,693,264, C>T. VCF-style: chr18-36693264-C-T. GRCh37 (hg19) VCF-style: chr18-34273227-C-T.
Other names: c.1501C>T, p.Arg501Trp (NM_001281739.3); c.1552C>T, p.Arg518Trp (NM_025135.5); short protein forms R501W, R518W, R693W.
Identifiers: ClinVar variation 1802227 (VCV001802227.3), dbSNP rs533572045, ClinGen allele CA8941774.